The following is an entry in ClinVar:

NM_001458.5(FLNC):c.1738G>A (p.Gly580Ser)

Gene: FLNC (filamin C; plus strand). Cytogenetic location: 7q32.1.
Variant type: single nucleotide variant.
Coding change: c.1738G>A on transcript NM_001458.5 (MANE Select); coding-DNA position 1738, G replaced by A.
Protein change: p.Gly580Ser; replaces glycine 580 with serine.
Molecular consequence: missense variant.
Genome position (GRCh38, 1-based): chr7:128,840,895, G>A. VCF-style: chr7-128840895-G-A. GRCh37 (hg19) VCF-style: chr7-128480949-G-A.
Other names: c.1738G>A, p.Gly580Ser (NM_001127487.2); short protein forms G580S.
Identifiers: ClinVar variation 2572730 (VCV002572730.1), dbSNP rs2536627216, ClinGen allele CA369226967.

ClinVar aggregate classification (germline): Uncertain significance (1 of 4 stars; one submission).

Submission:

GeneDx
Classification: Uncertain significance. Last evaluated: 2023-07-13. Review status: criteria provided, single submitter. Criteria: GeneDx Variant Classification Process June 2021. Collection method: clinical testing. Allele origin: germline. Affected: yes.
Comment: Has not been previously published as pathogenic or benign to our knowledge; Not observed at significant frequency in large population cohorts (gnomAD); In silico analysis supports that this missense variant has a deleterious effect on protein structure/function